The following is an entry in ClinVar:

ClinVar aggregate classification (germline): Uncertain significance (1 of 4 stars; one submission).

Submission:

GeneDx
Classification: Uncertain significance. Last evaluated: 2017-06-07. Review status: criteria provided, single submitter. Criteria: GeneDx Variant Classification (06012015). Collection method: clinical testing. Allele origin: germline. Affected: yes.
Comment: The c.4012_4016delTCCTAinsCCCTT variant in the ARID1A gene has not been reported previously as a pathogenic variant nor as a benign variant, to our knowledge. The c.4012_4016delTCCTAinsCCCTT variant causes an in-frame deletion of two amino acids and the insertion of two incorrect amino acids. This changes codon Serine 1338 to an incorrect Proline residue and codon Tyrosine 1339 to an incorrect Phenylalanine residue, denoted p.Ser1338_Tyr1339delinsPF. Both of these substitutions occur at positions that are conserved across species. The c.4012_4016delTCCTAinsCCCTT variant is not observed in large population cohorts (Lek et al., 2016; 1000 Genomes Consortium et al., 2015; Exome Variant Server). We interpret c.4012_4016delTCCTAinsCCCTT as a variant of uncertain significance.

NM_006015.6(ARID1A):c.4012_4016delinsCCCTT (p.Ser1338_Tyr1339delinsProPhe)

Gene: ARID1A (AT-rich interaction domain 1A; plus strand). Cytogenetic location: 1p36.11.
Variant type: Indel.
Coding change: c.4012_4016delinsCCCTT on transcript NM_006015.6 (MANE Select); coding-DNA positions 4012 to 4016, TCCTA replaced by CCCTT.
Protein change: p.Ser1338_Tyr1339delinsProPhe.
Molecular consequence: missense variant.
Genome position (GRCh38, 1-based): chr1:26,773,809-26,773,813, TCCTA replaced by CCCTT. VCF-style: chr1-26773809-TCCTA-CCCTT. GRCh37 (hg19) VCF-style: chr1-27100300-TCCTA-CCCTT.
Other names: c.4012_4016delTCCTAinsCCCTT (LRG_875t1); c.4012_4016delinsCCCTT, p.Ser1338_Tyr1339delinsProPhe (NM_139135.4).
Identifiers: ClinVar variation 432774 (VCV000432774.2), dbSNP rs1553153158, ClinGen allele CA645372413.